The following is an entry in ClinVar:

ClinVar aggregate classification (germline): Uncertain significance. Review status: criteria provided, multiple submitters, no conflicts (2 of 4 stars). 2 submissions from 2 submitters: Uncertain significance (2). Last evaluated 2023-08-01.

Conditions:
Rauch-Steindl syndrome (RAUST). Identifiers: Orphanet 659642, MedGen C5562061, MONDO:0859219, OMIM 619695.

Submissions (2):

GeneDx
Classification: Uncertain significance. Last evaluated: 2023-08-01. Review status: criteria provided, single submitter. Criteria: GeneDx Variant Classification Process June 2021. Collection method: clinical testing. Allele origin: germline. Affected: yes.
Comment: Not observed at significant frequency in large population cohorts (gnomAD); Frameshift variant predicted to result in protein truncation as the last 6 amino acids are replaced with 73 different amino acids, although loss-of-function variants have not been reported downstream of this position in the protein; Has not been previously published as pathogenic or benign to our knowledge

University of Washington Department of Laboratory Medicine, University of Washington
Classification: Uncertain significance for Rauch-Steindl syndrome. Last evaluated: 2023-02-13. Review status: criteria provided, single submitter. Criteria: ACMG Guidelines, 2015. Collection method: clinical testing. Allele origin: maternal. Affected: yes.
Comment: The p.Arg1360Serfs*74 variant in the NSD2 gene has not been previously reported in association with disease. This variant was absent from large population databases, including the Genome Aggregation Database. The p.Arg1360Serfs*74 variant disrupts the translation termination codon and is predicted to extend the protein by 69 amino acids. These predictions have not been tested directly. Variants resulting in likely protein elongation have been previously described de novo in affected individuals (Jiang 2019, Zanoni 2021). Using ACMG guidelines, this variant was classified as a variant of uncertain significance (ACMG evidence codes used: PM4, PM2_supporting).

NM_001042424.3(NSD2):c.4080_4081del (p.Arg1360fs)

Gene: NSD2 (nuclear receptor binding SET domain protein 2; plus strand). Cytogenetic location: 4p16.3.
Variant type: Microsatellite.
Coding change: c.4080_4081del on transcript NM_001042424.3 (MANE Select); coding-DNA positions 4080 to 4081, 2 bases deleted (AG; older notation c.4080_4081delAG).
Protein change: p.Arg1360fs; shifts the reading frame from arginine 1360.
Molecular consequence: frameshift variant.
Genome position (GRCh38, 1-based): chr4:1,978,891-1,978,892, AG deleted; deleting any 2 consecutive bases within chr4:1,978,888-1,978,892 gives the same sequence; the c. name uses the placement nearest the transcript's 3' end. VCF-style (leftmost placement, unchanged base first): chr4-1978887-GGA-G. GRCh37 (hg19) VCF-style: chr4-1980614-GGA-G.
Other names: c.4080_4081del, p.Arg1360fs (NM_133330.3, NM_133331.3, NM_133335.4); short protein forms R1360fs.
Identifiers: ClinVar variation 3361524 (VCV003361524.2).